The following is an entry in ClinVar:

ClinVar aggregate classification (germline): Likely pathogenic (1 of 4 stars; one submission).

Submission:

Labcorp Genetics (formerly Invitae), Labcorp
Classification: Likely pathogenic. Last evaluated: 2022-11-01. Review status: criteria provided, single submitter. Criteria: Invitae Variant Classification Sherloc (09022015). Collection method: clinical testing. Allele origin: germline.
Comment: In summary, the currently available evidence indicates that the variant is pathogenic, but additional data are needed to prove that conclusively. Therefore, this variant has been classified as Likely Pathogenic. This variant has been observed in individual(s) with GFAP-related conditions (Invitae). In at least one individual the variant was observed to be de novo. This variant is not present in population databases (gnomAD no frequency). This variant, c.708_710del, results in the deletion of 1 amino acid(s) of the GFAP protein (p.Glu237del), but otherwise preserves the integrity of the reading frame.

NM_002055.5(GFAP):c.708_710del (p.Glu237del)

Gene: GFAP (glial fibrillary acidic protein; minus strand). Cytogenetic location: 17q21.31.
Variant type: Deletion.
Coding change: c.708_710del on transcript NM_002055.5 (MANE Select); coding-DNA positions 708 to 710, 3 bases deleted (AGA; older notation c.708_710delAGA).
Protein change: p.Glu237del; deletes glutamic acid 237.
Molecular consequence: inframe deletion.
Genome position (GRCh38, 1-based): chr17:44,913,339-44,913,341, TCT deleted on the plus strand (AGA on the coding strand, the reverse complement: GFAP is on the minus strand); deleting any 3 consecutive bases within chr17:44,913,339-44,913,342 gives the same sequence; the c. name uses the placement nearest the transcript's 3' end. VCF-style (leftmost placement, unchanged base first): chr17-44913338-CTCT-C. GRCh37 (hg19) VCF-style: chr17-42990706-CTCT-C.
Other names: c.708_710del, p.Glu237del (NM_001131019.3, NM_001242376.3, NM_001363846.2); short protein forms E237del.
Identifiers: ClinVar variation 2032304 (VCV002032304.4), dbSNP rs2508940444, ClinGen allele CA2580093918.
Genomic context (GRCh38, chr17:44,913,338, plus strand): 5'-GTACCACTCTTCGGCTTCATGCATGTTGCTGGACGCCATTGCCTCATACTGCGTGCGGAT[CTCT>C]TTCAGGGCTGCGGTGAGGTCTGGCTTGGCCACGTCAAGCTCCACATGGACCTGCTGTCGG-3'